The following is an entry in ClinVar:

ClinVar aggregate classification (germline): Uncertain significance (1 of 4 stars; one submission).

Submission:

GeneDx
Classification: Uncertain significance. Last evaluated: 2017-06-19. Review status: criteria provided, single submitter. Criteria: GeneDx Variant Classification (06012015). Collection method: clinical testing. Allele origin: germline. Affected: yes.
Comment: A variant of uncertain significance has been identified in the FLNA gene. The c.5837-9 C>G variant has not been published as pathogenic or been reported as benign to our knowledge. This variant is not observed in large population cohorts (Lek et al., 2016; 1000 Genomes Consortium et al., 2015; Exome Variant Server). The c.5837-9 C>G nucleotide substitution occurs at a position that is not conserved across species. In silico splice algorithms are uninformative and, in the absence of functional mRNA studies, the physiological consequence of this variant cannot be precisely determined.

NM_001110556.2(FLNA):c.5861-9C>G

Gene: FLNA (filamin A; minus strand). Cytogenetic location: Xq28.
Variant type: single nucleotide variant.
Coding change: c.5861-9C>G on transcript NM_001110556.2 (MANE Select); 9 bases into the intron before coding-DNA position 5861, C replaced by G.
Molecular consequence: intron variant.
Genome position (GRCh38, 1-based): chrX:154,353,466, G>C on the plus strand (C>G on the coding strand, the complement: FLNA is on the minus strand). VCF-style: chrX-154353466-G-C. GRCh37 (hg19) VCF-style: chrX-153581834-G-C.
Other names: c.5837-9C>G (NM_001456.4).
Identifiers: ClinVar variation 432530 (VCV000432530.2), dbSNP rs782153045, ClinGen allele CA645373322.
Genomic context (GRCh38, chrX:154,353,466, plus strand): 5'-ATGTCGGCAGCAGAGCCGACCTTTAGGTGGGACATACGCATGGAGTCGTCACCTGGTGGG[G>C]ACAGGCCAGCCATCAGTGTGCGTCCAGCCATGGGAGACCATGCCCACCCTGCCACCCGTT-3'